The following is an entry in ClinVar:

ClinVar aggregate classification (germline): Likely benign. Review status: criteria provided, multiple submitters, no conflicts (2 of 4 stars). 2 submissions from 2 submitters: Likely benign (2). Last evaluated 2026-03-10.

Conditions:
CD151-related disorder. Also called: CD151-related condition.

Allele frequency attached by ClinVar (database versions not stated): ESP Exome Variant Server 0.00008.

Submissions (2):

PreventionGenetics, part of Exact Sciences
Classification: Likely benign for CD151-related condition. Last evaluated: 2026-03-10. Review status: criteria provided, single submitter. Criteria: ACMG Guidelines, 2015. Collection method: clinical testing. Allele origin: germline.
Comment: This variant is classified as likely benign based on ACMG/AMP sequence variant interpretation guidelines (Richards et al. 2015 PMID: 25741868, with internal and published modifications).

Labcorp Genetics (formerly Invitae), Labcorp
Classification: Likely benign. Last evaluated: 2025-12-24. Review status: criteria provided, single submitter. Criteria: Invitae Variant Classification Sherloc (09022015). Collection method: clinical testing. Allele origin: germline.

NM_004357.5(CD151):c.277-4C>A

Gene: CD151 (CD151 molecule (Raph blood group); plus strand). Cytogenetic location: 11p15.5.
Variant type: single nucleotide variant.
Coding change: c.277-4C>A on transcript NM_004357.5 (MANE Select); 4 bases into the intron before coding-DNA position 277, C replaced by A.
Molecular consequence: intron variant.
Genome position (GRCh38, 1-based): chr11:836,765, C>A. VCF-style: chr11-836765-C-A. GRCh37 (hg19) VCF-style: chr11-836765-C-A.
Other names: c.277-4C>A (NM_004357.4, NM_139030.4, NM_139029.2 and 1 more transcripts).
Identifiers: ClinVar variation 1980476 (VCV001980476.5), dbSNP rs376390859, ClinGen allele CA5792139.